The following is an entry in ClinVar:

NM_006660.5(CLPX):c.1859AAG[2] (p.Glu622del)

Gene: CLPX (caseinolytic mitochondrial matrix peptidase chaperone subunit X; minus strand). Cytogenetic location: 15q22.31.
Variant type: Microsatellite.
Coding change: c.1859AAG[2] on transcript NM_006660.5 (MANE Select); two copies in a row of the 3-base unit AAG starting at c.1859; the reference has three copies in a row; one copy, 3 bases deleted.
Protein change: p.Glu622del; deletes glutamic acid 622.
Molecular consequence: inframe deletion. On other transcripts: non-coding transcript variant (1).
Genome position (GRCh38, 1-based): chr15:65,150,858-65,150,860, CTT deleted on the plus strand (AAG on the coding strand, the reverse complement: CLPX is on the minus strand); deleting any 3 consecutive bases within chr15:65,150,858-65,150,867 gives the same sequence; the position shown is the placement nearest the transcript's 3' end. VCF-style (leftmost placement, unchanged base first): chr15-65150857-CCTT-C. GRCh37 (hg19) VCF-style: chr15-65443195-CCTT-C.
Other names: short protein forms E622del.
Identifiers: ClinVar variation 3626775 (VCV003626775.2).

ClinVar aggregate classification (germline): Uncertain significance (1 of 4 stars; one submission).

Submission:

Labcorp Genetics (formerly Invitae), Labcorp
Classification: Uncertain significance. Last evaluated: 2024-05-07. Review status: criteria provided, single submitter. Criteria: Invitae Variant Classification Sherloc (09022015). Collection method: clinical testing. Allele origin: germline.
Comment: This variant, c.1865_1867del, results in the deletion of 1 amino acid(s) of the CLPX protein (p.Glu622del), but otherwise preserves the integrity of the reading frame. This variant is present in population databases (rs766294701, gnomAD 0.01%). This variant has not been reported in the literature in individuals affected with CLPX-related conditions. Experimental studies and prediction algorithms are not available or were not evaluated, and the functional significance of this variant is currently unknown. In summary, the available evidence is currently insufficient to determine the role of this variant in disease. Therefore, it has been classified as a Variant of Uncertain Significance.